The following is an entry in ClinVar:

NM_001363711.2(DUOX2):c.1880A>G (p.His627Arg)

Gene: DUOX2 (dual oxidase 2; minus strand). Cytogenetic location: 15q21.1.
Variant type: single nucleotide variant.
Coding change: c.1880A>G on transcript NM_001363711.2 (MANE Select); coding-DNA position 1880, A replaced by G.
Protein change: p.His627Arg; replaces histidine 627 with arginine.
Molecular consequence: missense variant.
Genome position (GRCh38, 1-based): chr15:45,106,593, T>C on the plus strand (A>G on the coding strand, the complement: DUOX2 is on the minus strand). VCF-style: chr15-45106593-T-C. GRCh37 (hg19) VCF-style: chr15-45398791-T-C.
Other names: c.1880A>G, p.His627Arg (NM_014080.5); short protein forms H627R.
Identifiers: ClinVar variation 2076772 (VCV002076772.3), dbSNP rs148702234, ClinGen allele CA7538462.

ClinVar aggregate classification (germline): Uncertain significance (1 of 4 stars; one submission).

Allele frequency attached by ClinVar (database versions not stated): ExAC 0.00005; gnomAD 0.00021; TOPMed 0.00026; ESP Exome Variant Server 0.00046; gnomAD exomes 0.00002.

Submission:

Labcorp Genetics (formerly Invitae), Labcorp
Classification: Uncertain significance. Last evaluated: 2025-08-09. Review status: criteria provided, single submitter. Criteria: Invitae Variant Classification Sherloc (09022015). Collection method: clinical testing. Allele origin: germline.
Comment: This sequence change replaces histidine, which is basic and polar, with arginine, which is basic and polar, at codon 627 of the DUOX2 protein (p.His627Arg). This variant is present in population databases (rs148702234, gnomAD 0.05%). This variant has not been reported in the literature in individuals affected with DUOX2-related conditions. ClinVar contains an entry for this variant (Variation ID: 2076772). Invitae Evidence Modeling of protein sequence and biophysical properties (such as structural, functional, and spatial information, amino acid conservation, physicochemical variation, residue mobility, and thermodynamic stability) indicates that this missense variant is not expected to disrupt DUOX2 protein function with a negative predictive value of 80%. In summary, the available evidence is currently insufficient to determine the role of this variant in disease. Therefore, it has been classified as a Variant of Uncertain Significance.